The following is an entry in ClinVar:

NM_020338.4(ZMIZ1):c.1311G>C (p.Pro437=)

Gene: ZMIZ1 (zinc finger MIZ-type containing 1; plus strand). Cytogenetic location: 10q22.3.
Variant type: single nucleotide variant.
Coding change: c.1311G>C on transcript NM_020338.4 (MANE Select); coding-DNA position 1311, G replaced by C.
Protein change: p.Pro437=; no amino-acid change (proline 437 retained).
Molecular consequence: synonymous variant.
Genome position (GRCh38, 1-based): chr10:79,296,551, G>C. VCF-style: chr10-79296551-G-C. GRCh37 (hg19) VCF-style: chr10-81056308-G-C.
Identifiers: ClinVar variation 2578619 (VCV002578619.25), dbSNP rs199771760, ClinGen allele CA470393203.

ClinVar aggregate classification (germline): Likely benign (1 of 4 stars; one submission).

Submission:

CeGaT Center for Human Genetics Tuebingen
Classification: Likely benign. Last evaluated: 2024-08-01. Review status: criteria provided, single submitter. Criteria: CeGaT Center For Human Genetics Tuebingen Variant Classification Criteria Version 2. Collection method: clinical testing. Allele origin: germline. Affected: yes. Observed: 2 variant alleles.
Comment: ZMIZ1: BP4, BP7